The following is an entry in ClinVar:

ClinVar aggregate classification (germline): Conflicting classifications of pathogenicity. Review status: criteria provided, conflicting classifications (1 of 4 stars). 4 submissions from 4 submitters: Uncertain significance (2); Likely benign (2). Last evaluated 2022-12-27.

Conditions:
Multiple acyl-CoA dehydrogenase deficiency (MADD). Also called: ETHYLMALONIC-ADIPICACIDURIA; GA II; Glutaric aciduria, type 2; Glutaric Acidemia type 2; Glutaric acidemia type II; GA 2. Identifiers: Orphanet 26791, MedGen C0268596, MONDO:0009282, OMIM 231680.
Inborn genetic diseases. Identifiers: MedGen C0950123, MeSH D030342.

Allele frequency attached by ClinVar (database versions not stated): gnomAD exomes 0.00003 and 0.00012; ExAC 0.00005; gnomAD 0.00005; TOPMed 0.00005.
gnomAD v4.1: 174 of 1,602,204 alleles (0.011%); highest among the groups gnomAD compares: Non-Finnish European, 0.015%; no homozygotes.

Submissions (4):

Blueprint Genetics
Classification: Likely benign. Last evaluated: 2022-12-27. Review status: criteria provided, single submitter. Criteria: ACMG Guidelines, 2015. Collection method: clinical testing. Allele origin: germline.

Labcorp Genetics (formerly Invitae), Labcorp
Classification: Uncertain significance for Multiple acyl-CoA dehydrogenase deficiency. Last evaluated: 2022-08-09. Review status: criteria provided, single submitter. Criteria: Invitae Variant Classification Sherloc (09022015). Collection method: clinical testing. Allele origin: germline.
Comment: This sequence change falls in intron 7 of the ETFDH gene. It does not directly change the encoded amino acid sequence of the ETFDH protein. It affects a nucleotide within the consensus splice site. This variant is present in population databases (rs752971257, gnomAD 0.006%). This variant has not been reported in the literature in individuals affected with ETFDH-related conditions. ClinVar contains an entry for this variant (Variation ID: 576073). Variants that disrupt the consensus splice site are a relatively common cause of aberrant splicing (PMID: 17576681, 9536098). Algorithms developed to predict the effect of sequence changes on RNA splicing suggest that this variant is not likely to affect RNA splicing. In summary, the available evidence is currently insufficient to determine the role of this variant in disease. Therefore, it has been classified as a Variant of Uncertain Significance.

Ambry Genetics
Classification: Uncertain significance for Inborn genetic diseases. Last evaluated: 2021-04-28. Review status: criteria provided, single submitter. Criteria: Ambry Variant Classification Scheme 2023. Collection method: clinical testing. Allele origin: germline.
Comment: The c.831+4T>C intronic alteration consists of a T to C substitution nucleotides after coding exon 7 in the ETFDH gene. In silico splice site analysis for this alteration is inconclusive. Based on insufficient or conflicting evidence, the clinical significance of this alteration remains unclear.

GeneDx
Classification: Likely benign. Last evaluated: 2020-03-05. Review status: criteria provided, single submitter. Criteria: GeneDx Variant Classification Process June 2021. Collection method: clinical testing. Allele origin: germline. Affected: yes.

Literature cited by the submitters: PubMed 17576681 (cited by Labcorp Genetics (formerly Invitae), Labcorp); PubMed 9536098 (cited by Labcorp Genetics (formerly Invitae), Labcorp).

NM_004453.4(ETFDH):c.831+4T>C

Gene: ETFDH (electron transfer flavoprotein dehydrogenase; plus strand). Cytogenetic location: 4q32.1.
Variant type: single nucleotide variant.
Coding change: c.831+4T>C on transcript NM_004453.4 (MANE Select); 4 bases into the intron after coding-DNA position 831, T replaced by C.
Molecular consequence: intron variant.
Genome position (GRCh38, 1-based): chr4:158,695,647, T>C. VCF-style: chr4-158695647-T-C. GRCh37 (hg19) VCF-style: chr4-159616799-T-C.
Other names: c.831+4T>C (NM_004453.2); c.690+4T>C (NM_001281737.2); c.648+4T>C (NM_001281738.1).
Identifiers: ClinVar variation 576073 (VCV000576073.9), dbSNP rs752971257, ClinGen allele CA3122455.